The following is an entry in ClinVar:

ClinVar aggregate classification (germline): Uncertain significance. Review status: criteria provided, multiple submitters, no conflicts (2 of 4 stars). 2 submissions from 2 submitters: Uncertain significance (2). Last evaluated 2025-11-18.

Conditions:
Niemann-Pick disease, type C1. Also called: NEUROVISCERAL STORAGE DISEASE WITH VERTICAL SUPRANUCLEAR OPHTHALMOPLEGIA; NIEMANN-PICK DISEASE WITH CHOLESTEROL ESTERIFICATION BLOCK; NIEMANN-PICK DISEASE WITHOUT SPHINGOMYELINASE DEFICIENCY; NIEMANN-PICK DISEASE, CHRONIC NEURONOPATHIC FORM; NIEMANN-PICK DISEASE, VARIANT TYPE C1. Identifiers: Orphanet 646, MedGen C3179455, MONDO:0009757, OMIM 257220.

gnomAD v4.1: 1 of 1,611,552 alleles (0.000062%); highest among the groups gnomAD compares: Non-Finnish European, 0.000085%; no homozygotes.

Submissions (2):

Dasa
Classification: Uncertain significance. Last evaluated: 2025-11-18. Review status: criteria provided, single submitter. Criteria: DASA Assertion Criteria. Collection method: clinical testing. Allele origin: germline.
Comment: NM_000271.5(NPC1):c.1684G>A (p.Val562Met) is a missense variant that results in the substitution of valine with methionine. This variant has been observed in affected individuals with NPC1-related disorders. Also, this variant is rare in population databases. Computational prediction algorithms are consistent with a deleterious effect. The currently available literature and clinical evidence are not sufficient to establish a definitive association between this variant and the reported condition. Therefore, this variant is classified as a variant of uncertain significance.

Labcorp Genetics (formerly Invitae), Labcorp
Classification: Uncertain significance for Niemann-Pick disease, type C1. Last evaluated: 2022-02-10. Review status: criteria provided, single submitter. Criteria: Invitae Variant Classification Sherloc (09022015). Collection method: clinical testing. Allele origin: germline.
Comment: This sequence change replaces valine, which is neutral and non-polar, with methionine, which is neutral and non-polar, at codon 562 of the NPC1 protein (p.Val562Met). This variant is not present in population databases (gnomAD no frequency). This variant has not been reported in the literature in individuals affected with NPC1-related conditions. Advanced modeling of protein sequence and biophysical properties (such as structural, functional, and spatial information, amino acid conservation, physicochemical variation, residue mobility, and thermodynamic stability) performed at Invitae indicates that this missense variant is expected to disrupt NPC1 protein function. In summary, the available evidence is currently insufficient to determine the role of this variant in disease. Therefore, it has been classified as a Variant of Uncertain Significance.

NM_000271.5(NPC1):c.1684G>A (p.Val562Met)

Gene: NPC1 (NPC intracellular cholesterol transporter 1; minus strand). Cytogenetic location: 18q11.2.
Variant type: single nucleotide variant.
Coding change: c.1684G>A on transcript NM_000271.5 (MANE Select); coding-DNA position 1684, G replaced by A.
Protein change: p.Val562Met; replaces valine 562 with methionine.
Molecular consequence: missense variant.
Genome position (GRCh38, 1-based): chr18:23,548,079, C>T on the plus strand (G>A on the coding strand, the complement: NPC1 is on the minus strand). VCF-style: chr18-23548079-C-T. GRCh37 (hg19) VCF-style: chr18-21128043-C-T.
Other names: short protein forms V562M.
Identifiers: ClinVar variation 1363047 (VCV001363047.7), dbSNP rs1476758898, ClinGen allele CA401773855.
Genomic context (GRCh38, chr18:23,548,079, plus strand): 5'-CCTGGGCCCTCTGGAGCTTCTCTGTATCATTATAGTAATTATTGACAGGGAAGGTAATCA[C>T]AAGGGCAGTGGCGTTATTGTAGTTTTGATCTAGAAAGGAAAAATGTGACATCAAAAAGCA-3'
Protein context (NP_000262.2, residues 552-572): DQNYNNATAL[Val562Met]ITFPVNNYYN